The following is an entry in ClinVar:

NM_006767.4(LZTR1):c.111_115del (p.Ser37fs)

Genes: LZTR1 (leucine zipper like post translational regulator 1; plus strand), LOC130067016 (ATAC-STARR-seq lymphoblastoid silent region 13504; plus strand). Cytogenetic location: 22q11.21.
Variant type: Deletion.
Coding change: c.111_115del on transcript NM_006767.4 (MANE Select); coding-DNA positions 111 to 115, 5 bases deleted (TGTCG; older notation c.111_115delTGTCG).
Protein change: p.Ser37fs; shifts the reading frame from serine 37.
Molecular consequence: frameshift variant.
Genome position (GRCh38, 1-based): chr22:20,982,482-20,982,486, TGTCG deleted; deleting any 5 consecutive bases within chr22:20,982,481-20,982,486 gives the same sequence; the c. name uses the placement nearest the transcript's 3' end. VCF-style (leftmost placement, unchanged base first): chr22-20982480-AGTGTC-A. GRCh37 (hg19) VCF-style: chr22-21336769-AGTGTC-A.
Other names: short protein forms S37fs.
Identifiers: ClinVar variation 3541623 (VCV003541623.1).

ClinVar aggregate classification (germline): Pathogenic (1 of 4 stars; one submission).

Conditions:
Hereditary cancer-predisposing syndrome. Also called: Hereditary Cancer Syndrome; Hereditary neoplastic syndrome; Tumor predisposition; Neoplastic Syndromes, Hereditary. Identifiers: Orphanet 140162, MedGen C0027672, MeSH D009386, MONDO:0015356.
Cardiovascular phenotype. Identifiers: MedGen CN230736.

Submission:

Ambry Genetics
Classification: Pathogenic for Cardiovascular phenotype; Hereditary cancer-predisposing syndrome. Last evaluated: 2024-09-27. Review status: criteria provided, single submitter. Criteria: Ambry Variant Classification Scheme 2023. Collection method: clinical testing. Allele origin: germline.
Comment: The c.111_115delTGTCG pathogenic mutation, located in coding exon 1 of the LZTR1 gene, results from a deletion of 5 nucleotides at nucleotide positions 111 to 115, causing a translational frameshift with a predicted alternate stop codon (p.S37Rfs*39). This alteration is expected to result in loss of function by premature protein truncation or nonsense-mediated mRNA decay. Loss-of-function variants in LZTR1 are related to an increased risk for schwannomas and autosomal recessive Noonan syndrome; however, such associations with autosomal dominant Noonan syndrome have not been observed (Piotrowski A et al. Nat Genet. 2014 Feb;46:182-7; Yamamoto GL et al. J Med Genet. 2015 Jun;52:413-21; Johnston JJ et al. Genet Med. 2018 10;20:1175-1185). Based on the supporting evidence, this variant is pathogenic for an increased risk of LZTR1-related schwannomatosis (SWN) and would be expected to cause autosomal recessive Noonan syndrome when present along with a second pathogenic or likely pathogenic variant on the other allele; however, the association of this alteration with autosomal dominant Noonan syndrome is unlikely.